The following is an entry in ClinVar:

NM_004104.5(FASN):c.5269G>A (p.Val1757Met)

Gene: FASN (fatty acid synthase; minus strand). Cytogenetic location: 17q25.3.
Variant type: single nucleotide variant.
Coding change: c.5269G>A on transcript NM_004104.5 (MANE Select); coding-DNA position 5269, G replaced by A.
Protein change: p.Val1757Met; replaces valine 1757 with methionine.
Molecular consequence: missense variant.
Genome position (GRCh38, 1-based): chr17:82,083,589, C>T on the plus strand (G>A on the coding strand, the complement: FASN is on the minus strand). VCF-style: chr17-82083589-C-T. GRCh37 (hg19) VCF-style: chr17-80041465-C-T.
Other names: short protein forms V1757M.
Identifiers: ClinVar variation 581104 (VCV000581104.10), dbSNP rs778637882, ClinGen allele CA8851756.
Genomic context (GRCh38, chr17:82,083,589, plus strand): 5'-TCTGAGAAAGGTCGAATTTGCCAATTTCCAGGAAGCGACCGTGCGTAGCCAAGCACCTCA[C>T]GCTGGCCTGCAGCTTCTCTTCCGCCAAGGAGTTCAAGACCAGGTCAACGCCTAGGGGGCC-3'
Protein context (NP_004095.4, residues 1747-1767): SLAEEKLQAS[Val1757Met]RCLATHGRFL

ClinVar aggregate classification (germline): Uncertain significance. Review status: criteria provided, multiple submitters, no conflicts (2 of 4 stars). 2 submissions from 2 submitters: Uncertain significance (2). Last evaluated 2024-06-13.

Conditions:
Epileptic encephalopathy. Identifiers: MedGen C0543888, HP:0200134.

Allele frequency attached by ClinVar (database versions not stated): gnomAD 0.00009 and 0.00011; TOPMed 0.00009; ExAC 0.00011; gnomAD exomes 0.00012 and 0.00015.

Submissions (2):

Labcorp Genetics (formerly Invitae), Labcorp
Classification: Uncertain significance for Epileptic encephalopathy. Last evaluated: 2024-06-13. Review status: criteria provided, single submitter. Criteria: Invitae Variant Classification Sherloc (09022015). Collection method: clinical testing. Allele origin: germline.
Comment: This sequence change replaces valine, which is neutral and non-polar, with methionine, which is neutral and non-polar, at codon 1757 of the FASN protein (p.Val1757Met). This variant is present in population databases (rs778637882, gnomAD 0.05%). This variant has not been reported in the literature in individuals affected with FASN-related conditions. ClinVar contains an entry for this variant (Variation ID: 581104). An algorithm developed to predict the effect of missense changes on protein structure and function (PolyPhen-2) suggests that this variant is likely to be disruptive. In summary, the available evidence is currently insufficient to determine the role of this variant in disease. Therefore, it has been classified as a Variant of Uncertain Significance.

Breakthrough Genomics
Classification: Uncertain significance. Review status: criteria provided, single submitter. Criteria: ACMG Guidelines, 2015. Collection method: not provided. Allele origin: germline. Inheritance: Unknown mechanism. Affected: yes.